The following is an entry in ClinVar:

NM_007055.4(POLR3A):c.577T>A (p.Phe193Ile)

Gene: POLR3A (RNA polymerase III subunit A; minus strand). Cytogenetic location: 10q22.3.
Variant type: single nucleotide variant.
Coding change: c.577T>A on transcript NM_007055.4 (MANE Select); coding-DNA position 577, T replaced by A.
Protein change: p.Phe193Ile; replaces phenylalanine 193 with isoleucine.
Molecular consequence: missense variant.
Genome position (GRCh38, 1-based): chr10:78,024,617, A>T on the plus strand (T>A on the coding strand, the complement: POLR3A is on the minus strand). VCF-style: chr10-78024617-A-T. GRCh37 (hg19) VCF-style: chr10-79784375-A-T.
Other names: short protein forms F193I.
Identifiers: ClinVar variation 1030187 (VCV001030187.1), dbSNP rs1847614190, ClinGen allele CA377346079.
Genomic context (GRCh38, chr10:78,024,617, plus strand): 5'-TTCCCAGCAGAGGCTCCACTTCTTTATTATGTTCAATGGCTGTTTCAAAAGACTGAAGGA[A>T]ATTTGATACAATGGGATCCACCACTTTTTTGTTGGTCTTGTATTTCTCATGAATTATTTT-3'
Protein context (NP_008986.2, residues 183-203): KKVVDPIVSN[Phe193Ile]LQSFETAIEH

ClinVar aggregate classification (germline): Uncertain significance (1 of 4 stars; one submission).

Conditions:
Leukodystrophy, hypomyelinating, 7, with or without oligodontia and/or hypogonadotropic hypogonadism (HLD7). Also called: LEUKODYSTROPHY, HYPOMYELINATING, 7, WITH OLIGODONTIA; LEUKODYSTROPHY, HYPOMYELINATING, 7, WITH OLIGODONTIA AND HYPOGONADOTROPIC HYPOGONADISM; LEUKODYSTROPHY, HYPOMYELINATING, 7, WITHOUT OLIGODONTIA OR HYPOGONADOTROPIC HYPOGONADISM; LEUKOENCEPHALOPATHY, HYPOMYELINATING, WITH ATAXIA AND DELAYED DENTITION; ATAXIA, DELAYED DENTITION, AND HYPOMYELINATION; Ataxia, Delayed Dentition and Hypomyelination (ADDH). Identifiers: Orphanet 137639, Orphanet 447893, Orphanet 447896, Orphanet 77295, Orphanet 88637, MedGen CN034185, MONDO:0011897, OMIM 607694.

Submission:

Baylor Genetics
Classification: Uncertain significance for Leukodystrophy, hypomyelinating, 7, with or without oligodontia and/or hypogonadotropic hypogonadism. Last evaluated: 2019-04-29. Review status: criteria provided, single submitter. Criteria: ACMG Guidelines, 2015. Collection method: clinical testing. Allele origin: paternal. Affected: yes.
Comment: This variant was determined to be of uncertain significance according to ACMG Guidelines, 2015 [PMID:25741868].